The following is an entry in ClinVar:

ClinVar aggregate classification (germline): Uncertain significance (1 of 4 stars; one submission).

Conditions:
Brody myopathy. Also called: BRODY DISEASE. Identifiers: Orphanet 53347, MedGen C1832918, MONDO:0010977, OMIM 601003.

Submission:

Labcorp Genetics (formerly Invitae), Labcorp
Classification: Uncertain significance for Brody myopathy. Last evaluated: 2022-04-08. Review status: criteria provided, single submitter. Criteria: Invitae Variant Classification Sherloc (09022015). Collection method: clinical testing. Allele origin: germline.
Comment: This sequence change replaces alanine, which is neutral and non-polar, with threonine, which is neutral and polar, at codon 219 of the ATP2A1 protein (p.Ala219Thr). This variant is not present in population databases (gnomAD no frequency). This variant has not been reported in the literature in individuals affected with ATP2A1-related conditions. Algorithms developed to predict the effect of missense changes on protein structure and function are either unavailable or do not agree on the potential impact of this missense change (SIFT: "Deleterious"; PolyPhen-2: "Possibly Damaging"; Align-GVGD: "Class C0"). In summary, the available evidence is currently insufficient to determine the role of this variant in disease. Therefore, it has been classified as a Variant of Uncertain Significance.

NM_004320.6(ATP2A1):c.655G>A (p.Ala219Thr)

Gene: ATP2A1 (ATPase sarcoplasmic/endoplasmic reticulum Ca2+ transporting 1; plus strand). Cytogenetic location: 16p11.2.
Variant type: single nucleotide variant.
Coding change: c.655G>A on transcript NM_004320.6 (MANE Select); coding-DNA position 655, G replaced by A.
Protein change: p.Ala219Thr; replaces alanine 219 with threonine.
Molecular consequence: missense variant.
Genome position (GRCh38, 1-based): chr16:28,887,449, G>A. VCF-style: chr16-28887449-G-A. GRCh37 (hg19) VCF-style: chr16-28898770-G-A.
Other names: c.280G>A, p.Ala94Thr (NM_001286075.2); c.655G>A, p.Ala219Thr (NM_173201.5); short protein forms A219T, A94T.
Identifiers: ClinVar variation 2119483 (VCV002119483.4), dbSNP rs766584115, ClinGen allele CA395403673.
Genomic context (GRCh38, chr16:28,887,449, plus strand): 5'-CTTGCCTGATTCCCTGCCTCCTCTTTCCCTTCCCAGGGCACCAACATTGCAGCCGGCAAG[G>A]CCTTGGGCATCGTGGCCACCACTGGTGTGGGCACCGAGATTGGGAAGATCCGAGACCAAA-3'
Protein context (NP_004311.1, residues 209-229): FSGTNIAAGK[Ala219Thr]LGIVATTGVG